The following is an entry in ClinVar:

NM_006767.4(LZTR1):c.1351_1352insCGTG (p.Glu451delinsAlaTer)

Gene: LZTR1 (leucine zipper like post translational regulator 1; plus strand). Cytogenetic location: 22q11.21.
Variant type: Insertion.
Coding change: c.1351_1352insCGTG on transcript NM_006767.4 (MANE Select); coding-DNA positions 1351 to 1352, CGTG inserted.
Protein change: p.Glu451delinsAlaTer.
Molecular consequence: nonsense.
Genome position: GRCh38 VCF-style: chr22-20993749-G-GGTGC. GRCh37 (hg19) VCF-style: chr22-21348038-G-GGTGC.
Identifiers: ClinVar variation 3667605 (VCV003667605.2).

ClinVar aggregate classification (germline): Pathogenic (1 of 4 stars; one submission).

Submission:

Labcorp Genetics (formerly Invitae), Labcorp
Classification: Pathogenic. Last evaluated: 2025-08-18. Review status: criteria provided, single submitter. Criteria: Invitae Variant Classification Sherloc (09022015). Collection method: clinical testing. Allele origin: germline.
Comment: This sequence change creates a premature translational stop signal (p.Glu451Alafs*2) in the LZTR1 gene. It is expected to result in an absent or disrupted protein product. Loss-of-function variants in LZTR1 are known to be pathogenic (PMID: 24362817, 25335493, 25480913, 25795793, 29469822, 30368668, 30442762, 30442766, 30481304, 30859559). This variant is not present in population databases (gnomAD no frequency). This variant has not been reported in the literature in individuals affected with LZTR1-related conditions. ClinVar contains an entry for this variant (Variation ID: 3667605). Algorithms developed to predict the effect of sequence changes on RNA splicing suggest that this variant may create or strengthen a splice site. For these reasons, this variant has been classified as Pathogenic.

Literature cited by the submitters: PubMed 24362817; PubMed 25335493; PubMed 25480913; PubMed 25795793; PubMed 29469822; PubMed 30368668; PubMed 30442762; PubMed 30442766; PubMed 30481304; PubMed 30859559.